The following is an entry in ClinVar:

ClinVar aggregate classification (germline): Likely benign (1 of 4 stars; one submission).

gnomAD v4.1: 227 of 1,613,906 alleles (0.014%); highest among the groups gnomAD compares: African/African-American, 0.19%; 1 homozygote.

Submission:

CeGaT Center for Human Genetics Tuebingen
Classification: Likely benign. Last evaluated: 2026-04-01. Review status: criteria provided, single submitter. Criteria: CeGaT Center For Human Genetics Tuebingen Variant Classification Criteria Version 2. Collection method: clinical testing. Allele origin: germline. Affected: yes. Observed: 1 variant allele.
Comment: KDM5A: BP4, BP7

NM_001042603.3(KDM5A):c.1186C>A (p.Arg396=)

Gene: KDM5A (lysine demethylase 5A; minus strand). Cytogenetic location: 12p13.33.
Variant type: single nucleotide variant.
Coding change: c.1186C>A on transcript NM_001042603.3 (MANE Select); coding-DNA position 1186, C replaced by A.
Protein change: p.Arg396=; no amino-acid change (arginine 396 retained).
Molecular consequence: synonymous variant.
Genome position (GRCh38, 1-based): chr12:350,743, G>T on the plus strand (C>A on the coding strand, the complement: KDM5A is on the minus strand). VCF-style: chr12-350743-G-T. GRCh37 (hg19) VCF-style: chr12-459909-G-T.
Identifiers: ClinVar variation 4872524 (VCV004872524.2).
Genomic context (GRCh38, chr12:350,743, plus strand): 5'-TTGAGGAGATATCTGCTCCATATTCCACAATAACATCTTCTTCAATGCTGCTTACCAGCC[G>T]CCAAAATTCCTTTTCTACTAGTTCTGTGGGAACCATCTACACAGGGAAAAAAAAGATGAC-3'
Protein context (NP_001036068.1, residues 386-406): PTELVEKEFW[Arg396=]LVSSIEEDVI